The following is an entry in ClinVar:

NM_004656.4(BAP1):c.36A>G (p.Pro12=)

Gene: BAP1 (BRCA1 associated deubiquitinase 1; minus strand). Cytogenetic location: 3p21.1.
Variant type: single nucleotide variant.
Coding change: c.36A>G on transcript NM_004656.4 (MANE Select); coding-DNA position 36, A replaced by G.
Protein change: p.Pro12=; no amino-acid change (proline 12 retained).
Molecular consequence: synonymous variant.
Genome position (GRCh38, 1-based): chr3:52,409,843, T>C on the plus strand (A>G on the coding strand, the complement: BAP1 is on the minus strand). VCF-style: chr3-52409843-T-C. GRCh37 (hg19) VCF-style: chr3-52443859-T-C.
Identifiers: ClinVar variation 1368677 (VCV001368677.6), dbSNP rs2153228681, ClinGen allele CA433778765.

ClinVar aggregate classification (germline): Uncertain significance (1 of 4 stars; one submission).

Conditions:
BAP1-related tumor predisposition syndrome (TPDS1). Also called: BAP1 tumor predisposition syndrome; COMMON Syndrome; TUMOR PREDISPOSITION SYNDROME 1; Tumor susceptibility linked to germline BAP1 mutations. Identifiers: Orphanet 289539, MedGen C3280492, MONDO:0013692, OMIM 614327.

gnomAD v4.1: 1 of 1,611,818 alleles (0.000062%); no homozygotes.

Submission:

Labcorp Genetics (formerly Invitae), Labcorp
Classification: Uncertain significance for BAP1-related tumor predisposition syndrome. Last evaluated: 2021-09-21. Review status: criteria provided, single submitter. Criteria: Invitae Variant Classification Sherloc (09022015). Collection method: clinical testing. Allele origin: germline.
Comment: In summary, the available evidence is currently insufficient to determine the role of this variant in disease. Therefore, it has been classified as a Variant of Uncertain Significance. This sequence change affects codon 12 of the BAP1 mRNA. It is a 'silent' change, meaning that it does not change the encoded amino acid sequence of the BAP1 protein. It affects a nucleotide within the consensus splice site of the intron. This variant is not present in population databases (ExAC no frequency). This variant has not been reported in the literature in individuals affected with BAP1-related conditions. Algorithms developed to predict the effect of sequence changes on RNA splicing suggest that this variant may disrupt the consensus splice site.